The following is an entry in ClinVar:

NM_001348323.3(TRIP12):c.2225T>G (p.Ile742Ser)

Gene: TRIP12 (thyroid hormone receptor interactor 12; minus strand). Cytogenetic location: 2q36.3.
Variant type: single nucleotide variant.
Coding change: c.2225T>G on transcript NM_001348323.3 (MANE Select); coding-DNA position 2225, T replaced by G.
Protein change: p.Ile742Ser; replaces isoleucine 742 with serine.
Molecular consequence: missense variant.
Genome position (GRCh38, 1-based): chr2:229,808,366, A>C on the plus strand (T>G on the coding strand, the complement: TRIP12 is on the minus strand). VCF-style: chr2-229808366-A-C. GRCh37 (hg19) VCF-style: chr2-230673082-A-C.
Other names: c.2225T>G, p.Ile742Ser (NM_001284214.2, NM_001348315.2, NM_001348319.1 and 11 more transcripts); c.2099T>G, p.Ile700Ser (NM_001284215.2, NM_001348316.2, NM_001348317.1 and 2 more transcripts); c.1190T>G, p.Ile397Ser (NM_001284216.2); c.2138T>G, p.Ile713Ser (NM_001348332.1); c.2081T>G, p.Ile694Ser (NM_004238.3); short protein forms I397S, I694S, I700S, I713S, I742S.
Identifiers: ClinVar variation 5018790 (VCV005018790.1).

ClinVar aggregate classification (germline): Uncertain significance (1 of 4 stars; one submission).

Conditions:
Clark-Baraitser syndrome. Also called: MENTAL RETARDATION, AUTOSOMAL DOMINANT 49; BARAITSER SYNDROME; Mental retardation, tall stature, obesity, macrocephaly and typical facial features; Intellectual disability, autosomal dominant 49. Identifiers: Orphanet 600731, MedGen C2931130, MONDO:0030914, OMIM 617752.

Submission:

Juno Genomics, Hangzhou Juno Genomics, Inc
Classification: Uncertain significance for Clark-Baraitser syndrome. Review status: criteria provided, single submitter. Criteria: ACMG Guidelines, 2015. Collection method: clinical testing. Allele origin: germline. Affected: yes.
Comment: Absent from controls (or at extremely low frequency if recessive) in Genome Aggregation Database.;Multiple lines of computational evidence support a deleterious effect on the gene or gene product.;Missense variant in a gene that has a low rate of benign missense variation.